The following is an entry in ClinVar:

ClinVar aggregate classification (germline): Uncertain significance. Review status: criteria provided, multiple submitters, no conflicts (2 of 4 stars). 2 submissions from 2 submitters: Uncertain significance (2). Last evaluated 2022-12-17.

Conditions:
Cornelia de Lange syndrome 4 (CDLS4). Also called: RAD21-Related Cornelia de Lange Syndrome; CORNELIA DE LANGE SYNDROME 4 WITH OR WITHOUT MIDLINE BRAIN DEFECTS. Identifiers: Orphanet 199, MedGen C3553517, MONDO:0013864, OMIM 614701.
Inborn genetic diseases. Identifiers: MedGen C0950123, MeSH D030342.

Allele frequency attached by ClinVar (database versions not stated): gnomAD 0.00001; ExAC 0.00002; gnomAD exomes 0.00002 and 0.00005; TOPMed 0.00003.
gnomAD v4.1: 78 of 1,612,978 alleles (0.0048%); highest among the groups gnomAD compares: Non-Finnish European, 0.0061%; no homozygotes.

Submissions (2):

Labcorp Genetics (formerly Invitae), Labcorp
Classification: Uncertain significance for Cornelia de Lange syndrome 4. Last evaluated: 2022-12-17. Review status: criteria provided, single submitter. Criteria: Invitae Variant Classification Sherloc (09022015). Collection method: clinical testing. Allele origin: germline.
Comment: Advanced modeling of protein sequence and biophysical properties (such as structural, functional, and spatial information, amino acid conservation, physicochemical variation, residue mobility, and thermodynamic stability) performed at Invitae indicates that this missense variant is not expected to disrupt RAD21 protein function. ClinVar contains an entry for this variant (Variation ID: 589329). This variant has not been reported in the literature in individuals affected with RAD21-related conditions. This variant is present in population databases (rs762827934, gnomAD 0.01%). This sequence change replaces glycine, which is neutral and non-polar, with alanine, which is neutral and non-polar, at codon 575 of the RAD21 protein (p.Gly575Ala). In summary, the available evidence is currently insufficient to determine the role of this variant in disease. Therefore, it has been classified as a Variant of Uncertain Significance.

Ambry Genetics
Classification: Uncertain significance for Inborn genetic diseases. Last evaluated: 2016-07-15. Review status: criteria provided, single submitter. Criteria: Ambry Variant Classification Scheme 2023. Collection method: clinical testing. Allele origin: germline.
Comment: The p.G575A variant (also known as c.1724G>C), located in coding exon 13 of the RAD21 gene, results from a G to C substitution at nucleotide position 1724. The glycine at codon 575 is replaced by alanine, an amino acid with similar properties. This variant was not reported in population based cohorts in the following databases: Database of Single Nucleotide Polymorphisms (dbSNP), NHLBI Exome Sequencing Project (ESP), and 1000 Genomes Project. In the ESP, this variant was not observed in 6503 samples (13006 alleles) with coverage at this position. This amino acid position is highly conserved in available vertebrate species. In addition, the in silico prediction for this alteration is inconclusive. Since supporting evidence is limited at this time, the clinical significance of this alteration remains unclear.

NM_006265.3(RAD21):c.1724G>C (p.Gly575Ala)

Gene: RAD21 (RAD21 cohesin complex component; minus strand). Cytogenetic location: 8q24.11.
Variant type: single nucleotide variant.
Coding change: c.1724G>C on transcript NM_006265.3 (MANE Select); coding-DNA position 1724, G replaced by C.
Protein change: p.Gly575Ala; replaces glycine 575 with alanine.
Molecular consequence: missense variant.
Genome position (GRCh38, 1-based): chr8:116,847,672, C>G on the plus strand (G>C on the coding strand, the complement: RAD21 is on the minus strand). VCF-style: chr8-116847672-C-G. GRCh37 (hg19) VCF-style: chr8-117859911-C-G.
Other names: short protein forms G575A.
Identifiers: ClinVar variation 589329 (VCV000589329.10), dbSNP rs762827934, ClinGen allele CA4852690.